The following is an entry in ClinVar:

ClinVar aggregate classification (germline): Uncertain significance (1 of 4 stars; one submission).

Submission:

Ambry Genetics
Classification: Uncertain significance. Last evaluated: 2024-11-23. Review status: criteria provided, single submitter. Criteria: Ambry Variant Classification Scheme 2023. Collection method: clinical testing. Allele origin: germline.
Comment: The p.K201N variant (also known as c.603A>C), located in coding exon 1 of the TET2 gene, results from an A to C substitution at nucleotide position 603. The lysine at codon 201 is replaced by asparagine, an amino acid with similar properties. This amino acid position is conserved. In addition, this alteration is predicted to be tolerated by in silico analysis. Based on the available evidence, the clinical significance of this variant remains unclear.

NM_001127208.3(TET2):c.603A>C (p.Lys201Asn)

Genes: TET2 (tet methylcytosine dioxygenase 2; plus strand), TET2-AS1 (TET2 antisense RNA 1; minus strand). Cytogenetic location: 4q24.
Variant type: single nucleotide variant.
Coding change: c.603A>C on transcript NM_001127208.3 (MANE Select); coding-DNA position 603, A replaced by C.
Protein change: p.Lys201Asn; replaces lysine 201 with asparagine.
Molecular consequence: missense variant.
Genome position (GRCh38, 1-based): chr4:105,234,545, A>C. VCF-style: chr4-105234545-A-C. GRCh37 (hg19) VCF-style: chr4-106155702-A-C.
Other names: c.603A>C, p.Lys201Asn (NM_017628.4); short protein forms K201N.
Identifiers: ClinVar variation 3455326 (VCV003455326.1).
Genomic context (GRCh38, chr4:105,234,545, plus strand): 5'-TCTGAATGAGCAGGAGGGGAAAAGTGCTAATTACCATGACAAGAACATTGTATTACTTAA[A>C]AACAAGGCAGTGCTAATGCCTAATGGTGCTACAGTTTCTGCCTCTTCCGTGGAACACACA-3'
Protein context (NP_001120680.1, residues 191-211): NYHDKNIVLL[Lys201Asn]NKAVLMPNGA